The following is an entry in ClinVar:

ClinVar aggregate classification (germline): Uncertain significance. Review status: criteria provided, multiple submitters, no conflicts (2 of 4 stars). 3 submissions from 3 submitters: Uncertain significance (3). Last evaluated 2024-01-05.

Conditions:
Retinitis pigmentosa 17 (RP17). Identifiers: Orphanet 791, MedGen C1833245, MONDO:0010945, OMIM 600852.

Allele frequency attached by ClinVar (database versions not stated): ExAC 0.00001; gnomAD exomes 0.00002; TOPMed 0.00002; gnomAD 0.00004.
gnomAD v4.1: 82 of 1,614,050 alleles (0.0051%); highest among the groups gnomAD compares: Middle Eastern, 0.016%; no homozygotes.

Submissions (3):

Labcorp Genetics (formerly Invitae), Labcorp
Classification: Uncertain significance. Last evaluated: 2024-01-05. Review status: criteria provided, single submitter. Criteria: Invitae Variant Classification Sherloc (09022015). Collection method: clinical testing. Allele origin: germline.
Comment: This sequence change replaces proline, which is neutral and non-polar, with leucine, which is neutral and non-polar, at codon 227 of the CA4 protein (p.Pro227Leu). This variant is present in population databases (rs766918079, gnomAD 0.006%). This variant has not been reported in the literature in individuals affected with CA4-related conditions. ClinVar contains an entry for this variant (Variation ID: 1011596). Advanced modeling of protein sequence and biophysical properties (such as structural, functional, and spatial information, amino acid conservation, physicochemical variation, residue mobility, and thermodynamic stability) performed at Invitae indicates that this missense variant is expected to disrupt CA4 protein function with a positive predictive value of 80%. In summary, the available evidence is currently insufficient to determine the role of this variant in disease. Therefore, it has been classified as a Variant of Uncertain Significance.

Blueprint Genetics
Classification: Uncertain significance. Last evaluated: 2022-04-21. Review status: criteria provided, single submitter. Criteria: ACMG Guidelines, 2015. Collection method: clinical testing. Allele origin: germline.

Department of Pathology and Laboratory Medicine, Sinai Health System
Classification: Uncertain significance for retinitis pigmentosa 17. Last evaluated: 2020-08-10. Review status: criteria provided, single submitter. Criteria: ACMG Guidelines, 2015. Collection method: research. Allele origin: germline.

NM_000717.5(CA4):c.680C>T (p.Pro227Leu)

Gene: CA4 (carbonic anhydrase 4; plus strand). Cytogenetic location: 17q23.1.
Variant type: single nucleotide variant.
Coding change: c.680C>T on transcript NM_000717.5 (MANE Select); coding-DNA position 680, C replaced by T.
Protein change: p.Pro227Leu; replaces proline 227 with leucine.
Molecular consequence: missense variant. On other transcripts: non-coding transcript variant (1).
Genome position (GRCh38, 1-based): chr17:60,158,382, C>T. VCF-style: chr17-60158382-C-T. GRCh37 (hg19) VCF-style: chr17-58235743-C-T.
Other names: short protein forms P227L.
Identifiers: ClinVar variation 1011596 (VCV001011596.10), dbSNP rs766918079, ClinGen allele CA8685480.